The following is an entry in ClinVar:

NM_017852.5(NLRP2):c.2537+2dup

Gene: NLRP2 (NLR family pyrin domain containing 2; plus strand). Cytogenetic location: 19q13.42.
Variant type: Duplication.
Coding change: c.2537+2dup on transcript NM_017852.5 (MANE Select); the canonical splice donor site of the intron after coding-DNA position 2537, one base duplicated (T; older notation c.2537+2dupT).
Molecular consequence: splice donor variant. On other transcripts: non-coding transcript variant (1).
Genome position (GRCh38, 1-based): chr19:54,990,194, T duplicated. VCF-style (leftmost placement, unchanged base first): chr19-54990193-G-GT. GRCh37 (hg19) VCF-style: chr19-55501561-G-GT.
Other names: c.2537+2dup (NM_001174081.3); c.2528+2dup (NM_001348003.2); c.2471+2dup (NM_001174082.3); c.2468+2dup (NM_001174083.2).
Identifiers: ClinVar variation 2446505 (VCV002446505.1), dbSNP rs2516671462, ClinGen allele CA2580097796.
Genomic context (GRCh38, chr19:54,990,193, plus strand): 5'-GGGTGCTAAGTTGCTGTACACAACTTTGAGACACCCCAAGTGCTTTCTGCAGAGGTTGTC[G>GT]TAAGTCTCTCCTCTCTTACAGAGCAGCTGTGCTTTCGATCTGGGGCCACAGACGAGCAAT-3'

ClinVar aggregate classification (germline): Uncertain significance (1 of 4 stars; one submission).

Allele frequency attached by ClinVar (database versions not stated): gnomAD exomes below 0.00001.

Submission:

GeneDx
Classification: Uncertain significance. Last evaluated: 2022-09-27. Review status: criteria provided, single submitter. Criteria: GeneDx Variant Classification Process June 2021. Collection method: clinical testing. Allele origin: germline. Affected: yes.
Comment: Not observed at significant frequency in large population cohorts (gnomAD); Canonical splice site variant in a gene or region of a gene for which loss of function is not a well-established mechanism of disease; Has not been previously published as pathogenic or benign to our knowledge